The following is an entry in ClinVar:

ClinVar aggregate classification (germline): Benign. Review status: criteria provided, single submitter (1 of 4 stars). 2 submissions from 2 submitters: Benign (1). 1 of the submissions does not count toward it. Last evaluated 2018-12-13.

Conditions:
SERPINA7-related disorder. Also called: SERPINA7-related condition.

Allele frequency attached by ClinVar (database versions not stated): gnomAD exomes 0.00114 and 0.00037; ExAC 0.00133; gnomAD 0.00423 and 0.00400; TOPMed 0.00441; ESP Exome Variant Server 0.00502; 1000 Genomes Project 0.00583; 1000 Genomes Project 30x 0.00624.
gnomAD v4.1: 878 of 1,207,367 alleles (0.073%); highest among the groups gnomAD compares: African/African-American, 1.3%; 6 homozygotes.

Submissions (3):

Labcorp Genetics (formerly Invitae), Labcorp
Classification: Benign. Last evaluated: 2018-12-13. Review status: criteria provided, single submitter. Criteria: Invitae Variant Classification Sherloc (09022015). Collection method: clinical testing. Allele origin: germline.

PreventionGenetics, part of Exact Sciences
Classification: Benign for SERPINA7-related condition. Last evaluated: 2019-06-17. Review status: no assertion criteria provided. Collection method: clinical testing. Allele origin: germline. Not counted in ClinVar's aggregate classification.
Comment: This variant is classified as benign based on ACMG/AMP sequence variant interpretation guidelines (Richards et al. 2015 PMID: 25741868, with internal and published modifications).

Dr. Peter K. Rogan Lab, Western University
No classification provided (evidence only). Condition: Hepatocellular carcinoma. Review status: no classification provided. Collection method: in vitro. Allele origin: not applicable. Functional consequence: retained intron. Not counted in ClinVar's aggregate classification.

NM_000354.6(SERPINA7):c.22G>T (p.Val8Phe)

Gene: SERPINA7 (serpin family A member 7; minus strand). Cytogenetic location: Xq22.3.
Variant type: single nucleotide variant.
Coding change: c.22G>T on transcript NM_000354.6 (MANE Select); coding-DNA position 22, G replaced by T.
Protein change: p.Val8Phe; replaces valine 8 with phenylalanine.
Molecular consequence: missense variant.
Genome position (GRCh38, 1-based): chrX:106,037,037, C>A on the plus strand (G>T on the coding strand, the complement: SERPINA7 is on the minus strand). VCF-style: chrX-106037037-C-A. GRCh37 (hg19) VCF-style: chrX-105281028-C-A.
Other names: NC_000023.10:g.105281028C>A; short protein forms V8F.
Identifiers: ClinVar variation 716035 (VCV000716035.6), dbSNP rs61737031, ClinGen allele CA10481826.